The following is an entry in ClinVar:

NM_002834.5(PTPN11):c.1345A>G (p.Ile449Val)

Gene: PTPN11 (protein tyrosine phosphatase non-receptor type 11; plus strand). Cytogenetic location: 12q24.13.
Variant type: single nucleotide variant.
Coding change: c.1345A>G on transcript NM_002834.5 (MANE Select); coding-DNA position 1345, A replaced by G.
Protein change: p.Ile449Val; replaces isoleucine 449 with valine.
Molecular consequence: missense variant.
Genome position (GRCh38, 1-based): chr12:112,486,595, A>G. VCF-style: chr12-112486595-A-G. GRCh37 (hg19) VCF-style: chr12-112924399-A-G.
Other names: c.1357A>G, p.Ile453Val (NM_001330437.2); c.1342A>G, p.Ile448Val (NM_001374625.1); c.1345A>G, p.Ile449Val (NM_080601.3); c.1345A>G (NM_002834.3); short protein forms I448V, I449V, I453V.
Identifiers: ClinVar variation 1439767 (VCV001439767.9), dbSNP rs746112827, ClinGen allele CA6798766.

ClinVar aggregate classification (germline): Uncertain significance. Review status: criteria provided, multiple submitters, no conflicts (2 of 4 stars). 2 submissions from 2 submitters: Uncertain significance (2). Last evaluated 2025-04-29.

Conditions:
Cardiovascular phenotype. Identifiers: MedGen CN230736.
RASopathy. Also called: Noonan spectrum disorder; rasopathies. Identifiers: Orphanet 536391, MedGen C5555857, MONDO:0021060.

Allele frequency attached by ClinVar (database versions not stated): TOPMed below 0.00001; gnomAD exomes 0.00001 and 0.00002; ExAC 0.00003.
gnomAD v4.1: 4 of 1,613,682 alleles (0.00025%); highest among the groups gnomAD compares: Non-Finnish European, 0.00025%; no homozygotes.

Submissions (2):

Ambry Genetics
Classification: Uncertain significance for Cardiovascular phenotype. Last evaluated: 2025-04-29. Review status: criteria provided, single submitter. Criteria: Ambry Variant Classification Scheme 2023. Collection method: clinical testing. Allele origin: germline.
Comment: The p.I449V variant (also known as c.1345A>G), located in coding exon 11 of the PTPN11 gene, results from an A to G substitution at nucleotide position 1345. The isoleucine at codon 449 is replaced by valine, an amino acid with highly similar properties. This amino acid position is conserved. In addition, this alteration is predicted to be tolerated by in silico analysis. Based on the available evidence, the clinical significance of this variant remains unclear.

Labcorp Genetics (formerly Invitae), Labcorp
Classification: Uncertain significance for RASopathy. Last evaluated: 2024-11-24. Review status: criteria provided, single submitter. Criteria: Invitae Variant Classification Sherloc (09022015). Collection method: clinical testing. Allele origin: germline.
Comment: This sequence change replaces isoleucine, which is neutral and non-polar, with valine, which is neutral and non-polar, at codon 449 of the PTPN11 protein (p.Ile449Val). This variant is present in population databases (rs746112827, gnomAD 0.004%). This variant has not been reported in the literature in individuals affected with PTPN11-related conditions. ClinVar contains an entry for this variant (Variation ID: 1439767). Invitae Evidence Modeling of protein sequence and biophysical properties (such as structural, functional, and spatial information, amino acid conservation, physicochemical variation, residue mobility, and thermodynamic stability) has been performed for this missense variant. However, the output from this modeling did not meet the statistical confidence thresholds required to predict the impact of this variant on PTPN11 protein function. In summary, the available evidence is currently insufficient to determine the role of this variant in disease. Therefore, it has been classified as a Variant of Uncertain Significance.